The following is an entry in ClinVar:

ClinVar aggregate classification (germline): Pathogenic (1 of 4 stars; one submission).

Conditions:
BAP1-related tumor predisposition syndrome (TPDS1). Also called: Tumor susceptibility linked to germline BAP1 mutations; BAP1 tumor predisposition syndrome; COMMON Syndrome; TUMOR PREDISPOSITION SYNDROME 1. Identifiers: Orphanet 289539, MedGen C3280492, MONDO:0013692, OMIM 614327.

Submission:

Labcorp Genetics (formerly Invitae), Labcorp
Classification: Pathogenic for BAP1-related tumor predisposition syndrome. Last evaluated: 2025-12-08. Review status: criteria provided, single submitter. Criteria: Invitae Variant Classification Sherloc (09022015). Collection method: clinical testing. Allele origin: germline.
Comment: This sequence change creates a premature translational stop signal (p.Gln393Profs*13) in the BAP1 gene. It is expected to result in an absent or disrupted protein product. Loss-of-function variants in BAP1 are known to be pathogenic (PMID: 21874000, 23684012). This variant is not present in population databases (gnomAD no frequency). This variant has not been reported in the literature in individuals affected with BAP1-related conditions. For these reasons, this variant has been classified as Pathogenic.

Literature cited by the submitters: PubMed 21874000; PubMed 23684012.

NM_004656.4(BAP1):c.1145_1169dup (p.Gln393fs)

Gene: BAP1 (BRCA1 associated deubiquitinase 1; minus strand). Cytogenetic location: 3p21.1.
Variant type: Duplication.
Coding change: c.1145_1169dup on transcript NM_004656.4 (MANE Select); coding-DNA positions 1145 to 1169, 25 bases duplicated (GCCGCAGCCGAGTTCCAGTCCGCCC).
Protein change: p.Gln393fs; shifts the reading frame from glutamine 393.
Molecular consequence: frameshift variant.
Genome position (GRCh38, 1-based): chr3:52,404,534-52,404,558, GGGCGGACTGGAACTCGGCTGCGGC duplicated on the plus strand (GCCGCAGCCGAGTTCCAGTCCGCCC on the coding strand, the reverse complement: BAP1 is on the minus strand). VCF-style (leftmost placement, unchanged base first): chr3-52404533-T-TGGGCGGACTGGAACTCGGCTGCGGC. GRCh37 (hg19) VCF-style: chr3-52438549-T-TGGGCGGACTGGAACTCGGCTGCGGC.
Other names: c.1091_1115dup, p.Gln375fs (NM_001410772.1); short protein forms Q375fs, Q393fs.
Identifiers: ClinVar variation 4732699 (VCV004732699.1).